The following is an entry in ClinVar:

NM_002474.3(MYH11):c.3048A>G (p.Ala1016=)

Gene: MYH11 (myosin heavy chain 11; minus strand). Cytogenetic location: 16p13.11.
Variant type: single nucleotide variant.
Coding change: c.3048A>G on transcript NM_002474.3 (MANE Select); coding-DNA position 3048, A replaced by G.
Protein change: p.Ala1016=; no amino-acid change (alanine 1016 retained).
Molecular consequence: synonymous variant.
Genome position (GRCh38, 1-based): chr16:15,738,638, T>C on the plus strand (A>G on the coding strand, the complement: MYH11 is on the minus strand). VCF-style: chr16-15738638-T-C. GRCh37 (hg19) VCF-style: chr16-15832495-T-C.
Other names: c.3069A>G, p.Ala1023= (NM_001040113.2, NM_001040114.2); c.3048A>G, p.Ala1016= (NM_022844.3).
Identifiers: ClinVar variation 2160739 (VCV002160739.5), dbSNP rs2506191893, ClinGen allele CA493783666.

ClinVar aggregate classification (germline): Likely benign. Review status: criteria provided, multiple submitters, no conflicts (2 of 4 stars). 3 submissions from 3 submitters: Likely benign (3). Last evaluated 2024-04-16.

Conditions:
Familial thoracic aortic aneurysm and aortic dissection (TAAD). Also called: Thoracic aortic aneurysms and dissections. Identifiers: Orphanet 91387, MedGen C4707243, MONDO:0019625.
Aortic aneurysm, familial thoracic 4 (AAT4). Also called: AORTIC ANEURYSM/AORTIC DISSECTION AND PATENT DUCTUS ARTERIOSUS. Identifiers: MedGen C1851504, MONDO:0007568, OMIM 132900.

Submissions (3):

All of Us Research Program, National Institutes of Health
Classification: Likely benign for Familial thoracic aortic aneurysm and aortic dissection. Last evaluated: 2024-04-16. Review status: criteria provided, single submitter. Criteria: ACMG Guidelines, 2015. Collection method: clinical testing. Allele origin: germline. Inheritance: Autosomal dominant inheritance. Observed: 1 variant allele, 1 heterozygote.
Comment: This study involves interpretation of variants in research participants for the purpose of population health screening. Participant phenotype was not available at the time of variant classification. Additional details can be found in publication PMID: 35346344, PMCID: PMC8962531

Color Diagnostics, LLC DBA Color Health
Classification: Likely benign for Familial thoracic aortic aneurysm and aortic dissection. Last evaluated: 2024-03-28. Review status: criteria provided, single submitter. Criteria: ACMG Guidelines, 2015. Collection method: clinical testing. Allele origin: germline.

Labcorp Genetics (formerly Invitae), Labcorp
Classification: Likely benign for Aortic aneurysm, familial thoracic 4. Last evaluated: 2022-10-13. Review status: criteria provided, single submitter. Criteria: Invitae Variant Classification Sherloc (09022015). Collection method: clinical testing. Allele origin: germline.